The following is an entry in ClinVar:

NM_005428.4(VAV1):c.188G>A (p.Arg63His)

Gene: VAV1 (vav guanine nucleotide exchange factor 1; plus strand). Cytogenetic location: 19p13.3.
Variant type: single nucleotide variant.
Coding change: c.188G>A on transcript NM_005428.4 (MANE Select); coding-DNA position 188, G replaced by A.
Protein change: p.Arg63His; replaces arginine 63 with histidine.
Molecular consequence: missense variant.
Genome position (GRCh38, 1-based): chr19:6,772,995, G>A. VCF-style: chr19-6772995-G-A. GRCh37 (hg19) VCF-style: chr19-6773006-G-A.
Other names: c.188G>A, p.Arg63His (NM_001258206.2, NM_001258207.2); short protein forms R63H.
Identifiers: ClinVar variation 2090973 (VCV002090973.4), dbSNP rs771269172, ClinGen allele CA9132115.

ClinVar aggregate classification (germline): Uncertain significance (1 of 4 stars; one submission).

Allele frequency attached by ClinVar (database versions not stated): gnomAD 0.00001; gnomAD exomes 0.00001; TOPMed 0.00001; ExAC 0.00002.
gnomAD v4.1: 11 of 1,613,956 alleles (0.00068%); highest among the groups gnomAD compares: East Asian, 0.0067%; no homozygotes.

Submission:

Labcorp Genetics (formerly Invitae), Labcorp
Classification: Uncertain significance. Last evaluated: 2023-12-14. Review status: criteria provided, single submitter. Criteria: Invitae Variant Classification Sherloc (09022015). Collection method: clinical testing. Allele origin: germline.
Comment: This sequence change replaces arginine, which is basic and polar, with histidine, which is basic and polar, at codon 63 of the VAV1 protein (p.Arg63His). This variant is present in population databases (rs771269172, gnomAD 0.006%). This variant has not been reported in the literature in individuals affected with VAV1-related conditions. ClinVar contains an entry for this variant (Variation ID: 2090973). An algorithm developed to predict the effect of missense changes on protein structure and function (PolyPhen-2) suggests that this variant is likely to be disruptive. In summary, the available evidence is currently insufficient to determine the role of this variant in disease. Therefore, it has been classified as a Variant of Uncertain Significance.